The following is an entry in ClinVar:

NM_001395159.1(UNC79):c.5590G>A (p.Glu1864Lys)

Gene: UNC79 (unc-79 subunit of NALCN channel complex; plus strand). Cytogenetic location: 14q32.12.
Variant type: single nucleotide variant.
Coding change: c.5590G>A on transcript NM_001395159.1 (MANE Select); coding-DNA position 5590, G replaced by A.
Protein change: p.Glu1864Lys; replaces glutamic acid 1864 with lysine.
Molecular consequence: missense variant.
Genome position (GRCh38, 1-based): chr14:93,622,607, G>A. VCF-style: chr14-93622607-G-A. GRCh37 (hg19) VCF-style: chr14-94088953-G-A.
Other names: c.5524G>A, p.Glu1842Lys (NM_001346218.2); c.4843G>A, p.Glu1615Lys (NM_020818.5); c.5524G>A (NM_001346218.1); short protein forms E1864K, E1615K, E1842K.
Identifiers: ClinVar variation 4634156 (VCV004634156.2).
Genomic context (GRCh38, chr14:93,622,607, plus strand): 5'-GAGAAGCCTGGGGAGCTGATGCCAAGTTCAGGGGCAAAAACCGTCCTCCTCAAAGTTCCC[G>A]AAGATGCAGAGAACCCCACAGAAAGTGAGAAGCCTGATACCAGTGCAGAATCTGATACAG-3'
Protein context (NP_001382088.1, residues 1854-1874): GAKTVLLKVP[Glu1864Lys]DAENPTESEK

ClinVar aggregate classification (germline): Uncertain significance. Review status: criteria provided, multiple submitters, no conflicts (2 of 4 stars). 2 submissions from 2 submitters: Uncertain significance (2). Last evaluated 2025-11-03.

Conditions:
UNC79-related disorder. Also called: UNC79-related condition.
Inborn genetic diseases. Identifiers: MedGen C0950123, MeSH D030342.

gnomAD v4.1: 28 of 1,614,034 alleles (0.0017%); highest among the groups gnomAD compares: Non-Finnish European, 0.0021%; no homozygotes.

Submissions (2):

Ambry Genetics
Classification: Uncertain significance for Inborn genetic diseases. Last evaluated: 2025-11-03. Review status: criteria provided, single submitter. Criteria: Ambry Variant Classification Scheme 2023. Collection method: clinical testing. Allele origin: germline.

PreventionGenetics, part of Exact Sciences
Classification: Uncertain significance for UNC79-related condition. Last evaluated: 2024-11-25. Review status: criteria provided, single submitter. Criteria: ACMG Guidelines, 2015. Collection method: clinical testing. Allele origin: germline.
Comment: The UNC79 c.5524G>A variant is predicted to result in the amino acid substitution p.Glu1842Lys. To our knowledge, this variant has not been reported in the literature. This variant is reported in 0.0080% of alleles in individuals of European (Finnish) descent in gnomAD. At this time, the clinical significance of this variant is uncertain due to the absence of conclusive functional and genetic evidence.